The following is an entry in ClinVar:

ClinVar aggregate classification (germline): Uncertain significance. Review status: criteria provided, multiple submitters, no conflicts (2 of 4 stars). 4 submissions from 4 submitters: Uncertain significance (4). Last evaluated 2024-01-09.

Conditions:
Familial hyperaldosteronism type II. Also called: FH II. Identifiers: Orphanet 404, MedGen C1854107, MONDO:0011576, OMIM 605635.
Epilepsy, idiopathic generalized, susceptibility to, 11 (EIG11). Identifiers: Orphanet 307, MedGen C2750893, MONDO:0011875, OMIM 607628.
Leukoencephalopathy with mild cerebellar ataxia and white matter edema (LKPAT). Also called: Leukoencephalopathy with ataxia; Leukoencephalopathy with white matter edema; Brain white matter edema; CLCN2-Related Leukoencephalopathy. Identifiers: Orphanet 363540, MedGen C4554120, MONDO:0014292, OMIM 615651. Disease mechanism: loss of function.

Allele frequency attached by ClinVar (database versions not stated): gnomAD exomes 0.00002 and 0.00004; ExAC 0.00004; TOPMed 0.00004; gnomAD 0.00006; ESP Exome Variant Server 0.00008.

Submissions (4):

Blueprint Genetics
Classification: Uncertain significance. Last evaluated: 2024-01-09. Review status: criteria provided, single submitter. Criteria: ACMG Guidelines, 2015. Collection method: clinical testing. Allele origin: germline.

Labcorp Genetics (formerly Invitae), Labcorp
Classification: Uncertain significance. Last evaluated: 2023-05-10. Review status: criteria provided, single submitter. Criteria: Invitae Variant Classification Sherloc (09022015). Collection method: clinical testing. Allele origin: germline.
Comment: In summary, the available evidence is currently insufficient to determine the role of this variant in disease. Therefore, it has been classified as a Variant of Uncertain Significance. Advanced modeling of protein sequence and biophysical properties (such as structural, functional, and spatial information, amino acid conservation, physicochemical variation, residue mobility, and thermodynamic stability) performed at Invitae indicates that this missense variant is expected to disrupt CLCN2 protein function. ClinVar contains an entry for this variant (Variation ID: 1442624). This variant has not been reported in the literature in individuals affected with CLCN2-related conditions. This variant is present in population databases (rs376497260, gnomAD 0.007%). This sequence change replaces threonine, which is neutral and polar, with methionine, which is neutral and non-polar, at codon 405 of the CLCN2 protein (p.Thr405Met).

Fulgent Genetics
Classification: Uncertain significance for Familial hyperaldosteronism type II; Epilepsy, idiopathic generalized, susceptibility to, 11; Leukoencephalopathy with mild cerebellar ataxia and white matter edema. Last evaluated: 2021-09-28. Review status: criteria provided, single submitter. Criteria: ACMG Guidelines, 2015. Collection method: clinical testing. Allele origin: unknown.

Juno Genomics, Hangzhou Juno Genomics, Inc
Classification: Uncertain significance for Epilepsy, idiopathic generalized, susceptibility to, 11; Familial hyperaldosteronism type II; Leukoencephalopathy with mild cerebellar ataxia and white matter edema. Review status: criteria provided, single submitter. Criteria: ACMG Guidelines, 2015. Collection method: clinical testing. Allele origin: germline. Affected: yes.
Comment: Absent from controls (or at extremely low frequency if recessive) in Genome Aggregation Database, Exome Sequencing Project, 1000 Genomes Project, or Exome Aggregation Consortium.;Multiple lines of computational evidence support a deleterious effect on the gene or gene product (conservation, evolutionary, splicing impact, etc).

NM_004366.6(CLCN2):c.1214C>T (p.Thr405Met)

Gene: CLCN2 (chloride voltage-gated channel 2; minus strand). Cytogenetic location: 3q27.1.
Variant type: single nucleotide variant.
Coding change: c.1214C>T on transcript NM_004366.6 (MANE Select); coding-DNA position 1214, C replaced by T.
Protein change: p.Thr405Met; replaces threonine 405 with methionine.
Molecular consequence: missense variant.
Genome position (GRCh38, 1-based): chr3:184,355,486, G>A on the plus strand (C>T on the coding strand, the complement: CLCN2 is on the minus strand). VCF-style: chr3-184355486-G-A. GRCh37 (hg19) VCF-style: chr3-184073274-G-A.
Other names: c.1214C>T, p.Thr405Met (NM_001171087.3, NM_001171089.3); c.1082C>T, p.Thr361Met (NM_001171088.3); short protein forms T361M, T405M.
Identifiers: ClinVar variation 1442624 (VCV001442624.12), dbSNP rs376497260, ClinGen allele CA2734191.